The following is an entry in ClinVar:

NM_000214.3(JAG1):c.2665C>T (p.Arg889Trp)

Gene: JAG1 (jagged canonical Notch ligand 1; minus strand). Cytogenetic location: 20p12.2.
Variant type: single nucleotide variant.
Coding change: c.2665C>T on transcript NM_000214.3 (MANE Select); coding-DNA position 2665, C replaced by T.
Protein change: p.Arg889Trp; replaces arginine 889 with tryptophan.
Molecular consequence: missense variant.
Genome position (GRCh38, 1-based): chr20:10,641,800, G>A on the plus strand (C>T on the coding strand, the complement: JAG1 is on the minus strand). VCF-style: chr20-10641800-G-A. GRCh37 (hg19) VCF-style: chr20-10622448-G-A.
Other names: short protein forms R889W.
Identifiers: ClinVar variation 897676 (VCV000897676.15), dbSNP rs765431150, ClinGen allele CA9764425.

ClinVar aggregate classification (germline): Conflicting classifications of pathogenicity. Review status: criteria provided, conflicting classifications (1 of 4 stars). 4 submissions from 4 submitters: Uncertain significance (2); Likely benign (1). 1 of the submissions does not count toward it. Last evaluated 2024-11-24.

Conditions:
Alagille syndrome due to a JAG1 point mutation. Also called: HEPATIC DUCTULAR HYPOPLASIA, SYNDROMATIC; JAG1-Related Alagille Syndrome; Alagille Syndrome 1. Identifiers: Orphanet 261619, Orphanet 52, MedGen C1956125, MONDO:0016862, OMIM 118450.
Isolated Nonsyndromic Congenital Heart Disease.
Cardiovascular phenotype. Identifiers: MedGen CN230736.
JAG1-related disorder. Also called: JAG1-related condition; JAG1-related disorders.

Allele frequency attached by ClinVar (database versions not stated): TOPMed 0.00001.
gnomAD v4.1: 74 of 1,613,588 alleles (0.0046%); highest among the groups gnomAD compares: South Asian, 0.016%; no homozygotes.

Submissions (4):

Ambry Genetics
Classification: Uncertain significance for Cardiovascular phenotype. Last evaluated: 2024-11-24. Review status: criteria provided, single submitter. Criteria: Ambry Variant Classification Scheme 2023. Collection method: clinical testing. Allele origin: germline.

Labcorp Genetics (formerly Invitae), Labcorp
Classification: Likely benign for Alagille syndrome due to a JAG1 point mutation. Last evaluated: 2024-04-06. Review status: criteria provided, single submitter. Criteria: Invitae Variant Classification Sherloc (09022015). Collection method: clinical testing. Allele origin: germline.

Illumina Laboratory Services, Illumina
Classification: Uncertain significance for Isolated Nonsyndromic Congenital Heart Disease. Last evaluated: 2018-01-13. Review status: criteria provided, single submitter. Criteria: ICSL Variant Classification Criteria 13 December 2019. Collection method: clinical testing. Allele origin: germline.

PreventionGenetics, part of Exact Sciences
Classification: Uncertain significance for JAG1-related condition. Last evaluated: 2024-02-01. Review status: no assertion criteria provided. Collection method: clinical testing. Allele origin: germline. Not counted in ClinVar's aggregate classification.
Comment: The JAG1 c.2665C>T variant is predicted to result in the amino acid substitution p.Arg889Trp. To our knowledge, this variant has not been reported in the literature. This variant is reported in 0.0098% of alleles in individuals of South Asian descent in gnomAD. At this time, the clinical significance of this variant is uncertain due to the absence of conclusive functional and genetic evidence.